The following is an entry in ClinVar:

NM_005045.4(RELN):c.4789G>C (p.Gly1597Arg)

Gene: RELN (reelin; minus strand). Cytogenetic location: 7q22.1.
Variant type: single nucleotide variant.
Coding change: c.4789G>C on transcript NM_005045.4 (MANE Select); coding-DNA position 4789, G replaced by C.
Protein change: p.Gly1597Arg; replaces glycine 1597 with arginine.
Molecular consequence: missense variant.
Genome position (GRCh38, 1-based): chr7:103,566,371, C>G on the plus strand (G>C on the coding strand, the complement: RELN is on the minus strand). VCF-style: chr7-103566371-C-G. GRCh37 (hg19) VCF-style: chr7-103206818-C-G.
Other names: c.4789G>C, p.Gly1597Arg (NM_173054.3); short protein forms G1597R.
Identifiers: ClinVar variation 3025881 (VCV003025881.22), dbSNP rs2484743416, ClinGen allele CA368748227.

ClinVar aggregate classification (germline): Uncertain significance (1 of 4 stars; one submission).

gnomAD v4.1: 1 of 1,614,108 alleles (0.000062%); highest among the groups gnomAD compares: Non-Finnish European, 0.000085%; no homozygotes.

Submission:

CeGaT Center for Human Genetics Tuebingen
Classification: Uncertain significance. Last evaluated: 2025-01-01. Review status: criteria provided, single submitter. Criteria: CeGaT Center For Human Genetics Tuebingen Variant Classification Criteria Version 2. Collection method: clinical testing. Allele origin: germline. Affected: yes. Observed: 2 variant alleles.
Comment: RELN: PM2